The following is an entry in ClinVar:

ClinVar aggregate classification (germline): Likely benign (1 of 4 stars; one submission).

Conditions:
Leigh syndrome (NULS). Also called: Leigh's necrotizing encephalopathy; Leigh's disease; Leigh Syndrome (mtDNA deletion); Leigh Disease; Subacute necrotizing encephalopathy; Necrotizing encephalopathy infantile subacute of Leigh. Identifiers: Orphanet 506, MedGen C2931891, MONDO:0009723, OMIM 256000.

Submission:

Wong Mito Lab, Molecular and Human Genetics, Baylor College of Medicine
Classification: Likely benign for Leigh syndrome. Last evaluated: 2019-10-17. Review status: criteria provided, single submitter. Criteria: Modified ACMG Guidelines (Unpublished). Collection method: clinical testing. Allele origin: germline.
Comment: The NC_012920.1:m.4812G>A (YP_003024027.1:p.Val115Ile) variant in MTND2 gene is interpretated to be a Likely Benign variant based on the modified ACMG guidelines (unpublished). This variant meets the following evidence codes: BS1, BP4

NC_012920.1(MT-ND2):m.4812G>A

Gene: MT-ND2 (mitochondrially encoded NADH dehydrogenase 2; plus strand).
Variant type: single nucleotide variant.
Genome position: chrM-4812-G-A.
Identifiers: ClinVar variation 692509 (VCV000692509.1), dbSNP rs1603219637, ClinGen allele CA414775904.